The following is an entry in ClinVar:

ClinVar aggregate classification (germline): Uncertain significance (1 of 4 stars; one submission).

Conditions:
Inborn genetic diseases. Identifiers: MedGen C0950123, MeSH D030342.

gnomAD v4.1: 1 of 1,614,066 alleles (0.000062%); highest among the groups gnomAD compares: African/African-American, 0.0013%; no homozygotes.

Submission:

Ambry Genetics
Classification: Uncertain significance for Inborn genetic diseases. Last evaluated: 2026-03-11. Review status: criteria provided, single submitter. Criteria: Ambry Variant Classification Scheme 2023. Collection method: clinical testing. Allele origin: germline.
Comment: The p.P536L variant (also known as c.1607C>T), located in coding exon 12 of the ASXL1 gene, results from a C to T substitution at nucleotide position 1607. The proline at codon 536 is replaced by leucine, an amino acid with similar properties. This amino acid position is conserved. In addition, this alteration is predicted to be tolerated by in silico analysis. Based on the available evidence, the clinical significance of this variant remains unclear.

NM_015338.6(ASXL1):c.1607C>T (p.Pro536Leu)

Gene: ASXL1 (ASXL transcriptional regulator 1; plus strand). Cytogenetic location: 20q11.21.
Variant type: single nucleotide variant.
Coding change: c.1607C>T on transcript NM_015338.6 (MANE Select); coding-DNA position 1607, C replaced by T.
Protein change: p.Pro536Leu; replaces proline 536 with leucine.
Molecular consequence: missense variant.
Genome position (GRCh38, 1-based): chr20:32,433,805, C>T. VCF-style: chr20-32433805-C-T. GRCh37 (hg19) VCF-style: chr20-31021608-C-T.
Other names: c.1424C>T, p.Pro475Leu (NM_001363734.1); short protein forms P475L, P536L.
Identifiers: ClinVar variation 4827433 (VCV004827433.1).